The following is an entry in ClinVar:

NM_001267550.2(TTN):c.9402C>T (p.Asn3134=)

Gene: TTN (titin; minus strand). Cytogenetic location: 2q31.2.
Variant type: single nucleotide variant.
Coding change: c.9402C>T on transcript NM_001267550.2 (MANE Select); coding-DNA position 9402, C replaced by T.
Protein change: p.Asn3134=; no amino-acid change (asparagine 3134 retained).
Molecular consequence: synonymous variant.
Genome position (GRCh38, 1-based): chr2:178,767,828, G>A on the plus strand (C>T on the coding strand, the complement: TTN is on the minus strand). VCF-style: chr2-178767828-G-A. GRCh37 (hg19) VCF-style: chr2-179632555-G-A.
Other names: p.N3134N:AAC>AAT; c.9264C>T, p.Asn3088= (NM_003319.4, NM_133432.3, NM_133437.4); c.9402C>T, p.Asn3134= (NM_133378.4, NM_133379.5, NM_001256850.1).
Identifiers: ClinVar variation 137829 (VCV000137829.20), dbSNP rs587780987, ClinGen allele CA291514.

ClinVar aggregate classification (germline): Conflicting classifications of pathogenicity. Review status: criteria provided, conflicting classifications (1 of 4 stars). 6 submissions from 6 submitters: Uncertain significance (1); Benign (1); Likely benign (3). 1 of the submissions does not count toward it. Last evaluated 2026-02-02.

Conditions:
TTN-related disorder. Also called: TTN-related disorders; TTN-related condition; TTN-related disease.
Cardiovascular phenotype. Identifiers: MedGen CN230736.
Autosomal recessive limb-girdle muscular dystrophy type 2J (LGMDR10). Also called: MUSCULAR DYSTROPHY, LIMB-GIRDLE, AUTOSOMAL RECESSIVE 10; Limb-girdle muscular dystrophy, type 2J. Identifiers: Orphanet 140922, MedGen C1837342, MONDO:0012127, OMIM 608807.
Dilated cardiomyopathy 1G (CMD1G). Identifiers: Orphanet 154, MedGen C1858763, MONDO:0011400, OMIM 604145.

Allele frequency attached by ClinVar (database versions not stated): gnomAD 0.00004; TOPMed 0.00004; gnomAD exomes 0.00008; ExAC 0.00012.
gnomAD v4.1: 60 of 1,613,978 alleles (0.0037%); highest among the groups gnomAD compares: East Asian, 0.022%; no homozygotes.

Submissions (6):

Labcorp Genetics (formerly Invitae), Labcorp
Classification: Likely benign for Dilated cardiomyopathy 1G; Autosomal recessive limb-girdle muscular dystrophy type 2J. Last evaluated: 2026-02-02. Review status: criteria provided, single submitter. Criteria: Invitae Variant Classification Sherloc (09022015). Collection method: clinical testing. Allele origin: germline.

Blueprint Genetics
Classification: Likely benign. Last evaluated: 2024-09-14. Review status: criteria provided, single submitter. Criteria: ACMG Guidelines, 2015. Collection method: clinical testing. Allele origin: germline.

Ambry Genetics
Classification: Likely benign for Cardiovascular phenotype. Last evaluated: 2022-11-27. Review status: criteria provided, single submitter. Criteria: Ambry Variant Classification Scheme 2023. Collection method: clinical testing. Allele origin: germline.

Eurofins Ntd Llc (ga)
Classification: Uncertain significance. Last evaluated: 2017-09-22. Review status: criteria provided, single submitter. Criteria: EGL Classification Definitions 2015. Collection method: clinical testing. Allele origin: germline. Observed: 3 variant alleles, 3 heterozygotes.

GeneDx
Classification: Benign. Last evaluated: 2013-07-12. Review status: criteria provided, single submitter. Criteria: GeneDx Variant Classification (06012015). Collection method: clinical testing. Allele origin: germline. Affected: yes.
Comment: This variant is considered likely benign or benign based on one or more of the following criteria: it is a conservative change, it occurs at a poorly conserved position in the protein, it is predicted to be benign by multiple in silico algorithms, and/or has population frequency not consistent with disease.

PreventionGenetics, part of Exact Sciences
Classification: Likely benign for TTN-related condition. Last evaluated: 2023-08-23. Review status: no assertion criteria provided. Collection method: clinical testing. Allele origin: germline. Not counted in ClinVar's aggregate classification.
Comment: This variant is classified as likely benign based on ACMG/AMP sequence variant interpretation guidelines (Richards et al. 2015 PMID: 25741868, with internal and published modifications).